The following is an entry in ClinVar:

ClinVar aggregate classification (germline): Conflicting classifications of pathogenicity. Review status: criteria provided, conflicting classifications (1 of 4 stars). 8 submissions from 8 submitters: Uncertain significance (7); Likely benign (1). Last evaluated 2025-08-12.

Conditions:
Aortic aneurysm, familial thoracic 4 (AAT4). Also called: AORTIC ANEURYSM/AORTIC DISSECTION AND PATENT DUCTUS ARTERIOSUS. Identifiers: MedGen C1851504, MONDO:0007568, OMIM 132900.
Visceral myopathy 2. Identifiers: MedGen C5543466, MONDO:0859157, OMIM 619350.
Megacystis-microcolon-intestinal hypoperistalsis syndrome 2. Identifiers: MedGen C5543476, MONDO:0025708, OMIM 619351.
MYH11-related disorder. Also called: MYH11-related condition.
Familial thoracic aortic aneurysm and aortic dissection (TAAD). Also called: Thoracic aortic aneurysms and dissections. Identifiers: Orphanet 91387, MedGen C4707243, MONDO:0019625.

Allele frequency attached by ClinVar (database versions not stated): ExAC 0.00002; gnomAD exomes 0.00002; gnomAD 0.00003; TOPMed 0.00003; ESP Exome Variant Server 0.00008.
gnomAD v4.1: 65 of 1,613,018 alleles (0.004%); highest among the groups gnomAD compares: Non-Finnish European, 0.0049%; no homozygotes.

Submissions (9):

Ambry Genetics
Classification: Uncertain significance for Familial thoracic aortic aneurysm and aortic dissection. Last evaluated: 2025-08-12. Review status: criteria provided, single submitter. Criteria: Ambry Variant Classification Scheme 2023. Collection method: clinical testing. Allele origin: germline.
Comment: The c.4791+5G>A intronic variant results from a G to A substitution 5 nucleotides after coding exon 32 in the MYH11 gene. This nucleotide position is poorly conserved in available vertebrate species. In silico splice site analysis predicts that this alteration will not have any significant effect on splicing. Since supporting evidence is limited at this time, the clinical significance of this alteration remains unclear.

Labcorp Genetics (formerly Invitae), Labcorp
Classification: Uncertain significance for Aortic aneurysm, familial thoracic 4. Last evaluated: 2024-12-12. Review status: criteria provided, single submitter. Criteria: Invitae Variant Classification Sherloc (09022015). Collection method: clinical testing. Allele origin: germline.
Comment: This sequence change falls in intron 34 of the MYH11 gene. It does not directly change the encoded amino acid sequence of the MYH11 protein. It affects a nucleotide within the consensus splice site. This variant is present in population databases (rs376779423, gnomAD 0.004%). This variant has not been reported in the literature in individuals affected with MYH11-related conditions. ClinVar contains an entry for this variant (Variation ID: 228870). Variants that disrupt the consensus splice site are a relatively common cause of aberrant splicing (PMID: 17576681, 9536098). Algorithms developed to predict the effect of sequence changes on RNA splicing suggest that this variant is not likely to affect RNA splicing. In summary, the available evidence is currently insufficient to determine the role of this variant in disease. Therefore, it has been classified as a Variant of Uncertain Significance.

PreventionGenetics, part of Exact Sciences
Classification: Likely benign for MYH11-related condition. Last evaluated: 2024-11-22. Review status: criteria provided, single submitter. Criteria: ACMG Guidelines, 2015. Collection method: clinical testing. Allele origin: germline.
Comment: This variant is classified as likely benign based on ACMG/AMP sequence variant interpretation guidelines (Richards et al. 2015 PMID: 25741868, with internal and published modifications).

Women's Health and Genetics/Laboratory Corporation of America, LabCorp
Classification: Uncertain significance. Last evaluated: 2024-05-13. Review status: criteria provided, single submitter. Criteria: LabCorp Variant Classification Summary - May 2015. Collection method: clinical testing. Allele origin: germline.

Color Diagnostics, LLC DBA Color Health
Classification: Uncertain significance for Familial thoracic aortic aneurysm and aortic dissection. Last evaluated: 2024-04-22. Review status: criteria provided, single submitter. Criteria: ACMG Guidelines, 2015. Collection method: clinical testing. Allele origin: germline.
Comment: This variant causes a G to A nucleotide substitution at the +5 position of intron 34 of the MYH11 gene. To our knowledge, RNA studies have not been reported for this variant. This variant has not been reported in individuals affected with MYH11-related disorders in the literature. This variant has been identified in 4/250928 chromosomes in the general population by the Genome Aggregation Database (gnomAD). The available evidence is insufficient to determine the role of this variant in disease conclusively. Therefore, this variant is classified as a Variant of Uncertain Significance.

Greenwood Genetic Center Diagnostic Laboratories, Greenwood Genetic Center
Classification: Uncertain significance. Last evaluated: 2023-09-14. Review status: criteria provided, single submitter. Criteria: ACMG Guidelines, 2015. Collection method: clinical testing. Allele origin: germline. Affected: yes.
Comment: PM2

Fulgent Genetics
Classification: Uncertain significance for Aortic aneurysm, familial thoracic 4; Visceral myopathy 2; Megacystis-microcolon-intestinal hypoperistalsis syndrome 2. Last evaluated: 2021-11-16. Review status: criteria provided, single submitter. Criteria: ACMG Guidelines, 2015. Collection method: clinical testing. Allele origin: unknown.

Laboratory for Molecular Medicine, Mass General Brigham Personalized Medicine
Classification: Uncertain significance. Last evaluated: 2015-12-14. Review status: criteria provided, single submitter. Criteria: LMM Criteria. Collection method: clinical testing. Allele origin: germline. Observed: 1 variant allele.
Comment: The c.4812+5G>A variant in MYH11 has not been previously reported in individuals with connective tissue disorders, but has been identified in 3/66704 European c hromosomes by the Exome Aggregation Consortium (ExAC .org; dbSNP rs376779423). This variant is located in the 5' splice region. Compu tational tools do not suggest an impact to splicing. However, this information i s not predictive enough to rule out pathogenicity. In summary, the clinical sign ificance of the c.4812+5G>A variant is uncertain.

Dr. Peter K. Rogan Lab, Western University
No classification provided (evidence only). Condition: Sarcoma. Review status: no classification provided. Collection method: in vitro. Allele origin: not applicable. Functional consequence: retained intron. Not counted in ClinVar's aggregate classification.

Literature cited by the submitters: PubMed 17576681 (cited by Labcorp Genetics (formerly Invitae), Labcorp); PubMed 9536098 (cited by Labcorp Genetics (formerly Invitae), Labcorp).

NM_002474.3(MYH11):c.4791+5G>A

Genes: MYH11 (myosin heavy chain 11; minus strand), NDE1 (nudE neurodevelopment protein 1; plus strand). Cytogenetic location: 16p13.11.
Variant type: single nucleotide variant.
Coding change: c.4791+5G>A on transcript NM_002474.3 (MANE Select); 5 bases into the intron after coding-DNA position 4791, G replaced by A.
Molecular consequence: intron variant.
Genome position (GRCh38, 1-based): chr16:15,720,834, C>T on the plus strand (G>A on the coding strand, the complement: MYH11 is on the minus strand). VCF-style: chr16-15720834-C-T. GRCh37 (hg19) VCF-style: chr16-15814691-C-T.
Other names: c.948-3357C>T (NM_001143979.2, NM_017668.3); c.4791+5G>A (NM_022844.3); c.4812+5G>A (NM_001040114.2, NM_001040113.2).
Identifiers: ClinVar variation 228870 (VCV000228870.21), dbSNP rs376779423, ClinGen allele CA7921564.
Genomic context (GRCh38, chr16:15,720,834, plus strand): 5'-GAGTGGTGATAGGAATGAAAAAGGCCACCCGACCTCCCTCTGCTGGCCTCCCCGGCAGCA[C>T]GCACCTGTCTCTGCAGTTGCCTCCTCTTCTCCTCATTCTGCTCGTCCCGGGCTTGGAGAT-3'